The following is an entry in ClinVar:

ClinVar aggregate classification (germline): Uncertain significance (1 of 4 stars; one submission).

Submission:

GeneDx
Classification: Uncertain significance. Last evaluated: 2024-09-19. Review status: criteria provided, single submitter. Criteria: GeneDx Variant Classification Process June 2021. Collection method: clinical testing. Allele origin: germline. Affected: yes.
Comment: Not observed at significant frequency in large population cohorts (gnomAD); In silico analysis supports that this missense variant has a deleterious effect on protein structure/function; Has not been previously published as pathogenic or benign to our knowledge

NM_005068.3(SIM1):c.952C>A (p.Arg318Ser)

Gene: SIM1 (SIM bHLH transcription factor 1; minus strand). Cytogenetic location: 6q16.3.
Variant type: single nucleotide variant.
Coding change: c.952C>A on transcript NM_005068.3 (MANE Select); coding-DNA position 952, C replaced by A.
Protein change: p.Arg318Ser; replaces arginine 318 with serine.
Molecular consequence: missense variant.
Genome position (GRCh38, 1-based): chr6:100,447,314, G>T on the plus strand (C>A on the coding strand, the complement: SIM1 is on the minus strand). VCF-style: chr6-100447314-G-T. GRCh37 (hg19) VCF-style: chr6-100895190-G-T.
Other names: c.952C>A, p.Arg318Ser (NM_001374769.1); short protein forms R318S.
Identifiers: ClinVar variation 3774267 (VCV003774267.1).